The following is an entry in ClinVar:

NM_033100.4(CDHR1):c.1990C>G (p.Pro664Ala)

Gene: CDHR1 (cadherin related family member 1; plus strand). Cytogenetic location: 10q23.1.
Variant type: single nucleotide variant.
Coding change: c.1990C>G on transcript NM_033100.4 (MANE Select); coding-DNA position 1990, C replaced by G.
Protein change: p.Pro664Ala; replaces proline 664 with alanine.
Molecular consequence: missense variant.
Genome position (GRCh38, 1-based): chr10:84,213,298, C>G. VCF-style: chr10-84213298-C-G. GRCh37 (hg19) VCF-style: chr10-85973054-C-G.
Other names: c.1990C>G, p.Pro664Ala (NM_001171971.3); short protein forms P664A.
Identifiers: ClinVar variation 3692167 (VCV003692167.2).

ClinVar aggregate classification (germline): Uncertain significance (1 of 4 stars; one submission).

gnomAD v4.1: 39 of 1,614,224 alleles (0.0024%); highest among the groups gnomAD compares: Non-Finnish European, 0.0032%; no homozygotes.

Submission:

Labcorp Genetics (formerly Invitae), Labcorp
Classification: Uncertain significance. Last evaluated: 2025-03-17. Review status: criteria provided, single submitter. Criteria: Invitae Variant Classification Sherloc (09022015). Collection method: clinical testing. Allele origin: germline.
Comment: This sequence change replaces proline, which is neutral and non-polar, with alanine, which is neutral and non-polar, at codon 664 of the CDHR1 protein (p.Pro664Ala). This variant is not present in population databases (gnomAD no frequency). This variant has not been reported in the literature in individuals affected with CDHR1-related conditions. Invitae Evidence Modeling of protein sequence and biophysical properties (such as structural, functional, and spatial information, amino acid conservation, physicochemical variation, residue mobility, and thermodynamic stability) has been performed for this missense variant. However, the output from this modeling did not meet the statistical confidence thresholds required to predict the impact of this variant on CDHR1 protein function. In summary, the available evidence is currently insufficient to determine the role of this variant in disease. Therefore, it has been classified as a Variant of Uncertain Significance.